The following is an entry in ClinVar:

ClinVar aggregate classification (germline): Likely benign (1 of 4 stars; one submission).

Conditions:
DDX3X-related disorder. Also called: DDX3X-related condition.

gnomAD v4.1: 3 of 1,209,515 alleles (0.00025%); highest among the groups gnomAD compares: East Asian, 0.003%; no homozygotes.

Submission:

PreventionGenetics, part of Exact Sciences
Classification: Likely benign for DDX3X-related condition. Last evaluated: 2026-03-12. Review status: criteria provided, single submitter. Criteria: ACMG Guidelines, 2015. Collection method: clinical testing. Allele origin: germline.
Comment: This variant is classified as likely benign based on ACMG/AMP sequence variant interpretation guidelines (Richards et al. 2015 PMID: 25741868, with internal and published modifications).

NM_001356.5(DDX3X):c.465C>T (p.Asn155=)

Gene: DDX3X (DEAD-box helicase 3 X-linked; plus strand). Cytogenetic location: Xp11.4.
Variant type: single nucleotide variant.
Coding change: c.465C>T on transcript NM_001356.5 (MANE Select); coding-DNA position 465, C replaced by T.
Protein change: p.Asn155=; no amino-acid change (asparagine 155 retained).
Molecular consequence: synonymous variant. On other transcripts: 5 prime UTR variant (1), non-coding transcript variant (1).
Genome position (GRCh38, 1-based): chrX:41,342,758, C>T. VCF-style: chrX-41342758-C-T. GRCh37 (hg19) VCF-style: chrX-41202011-C-T.
Other names: c.465C>T, p.Asn155= (NM_001193416.3); c.417C>T, p.Asn139= (NM_001193417.3); c.-94C>T (NM_001363819.1).
Identifiers: ClinVar variation 4997709 (VCV004997709.1).
Genomic context (GRCh38, chrX:41,342,758, plus strand): 5'-CTAGTATAACAAATGAACTTATCCATTTTTTGATTTGAGGGAACTCTTTTCTGGAGGCAA[C>T]ACTGGGATTAATTTTGAGAAATACGATGACATTCCAGTTGAGGCAACAGGCAACAACTGT-3'
Protein context (NP_001347.3, residues 145-165): RLEQELFSGG[Asn155=]TGINFEKYDD